The following is an entry in ClinVar:

ClinVar aggregate classification (germline): Uncertain significance (1 of 4 stars; one submission).

Conditions:
Primary ciliary dyskinesia. Also called: Ciliary dyskinesia. Identifiers: Orphanet 244, MedGen C0008780, MONDO:0016575, HP:0012265.

Allele frequency attached by ClinVar (database versions not stated): gnomAD exomes below 0.00001; ExAC 0.00001; gnomAD 0.00001 and 0.00002; TOPMed 0.00001.
gnomAD v4.1: 3 of 1,606,484 alleles (0.00019%); highest among the groups gnomAD compares: African/African-American, 0.004%; no homozygotes.

Submission:

Labcorp Genetics (formerly Invitae), Labcorp
Classification: Uncertain significance for Primary ciliary dyskinesia. Last evaluated: 2018-12-28. Review status: criteria provided, single submitter. Criteria: Invitae Variant Classification Sherloc (09022015). Collection method: clinical testing. Allele origin: germline.
Comment: This sequence change falls in intron 10 of the CCDC114 gene. It does not directly change the encoded amino acid sequence of the CCDC114 protein, but it affects a nucleotide within the consensus splice site of the intron. This variant is present in population databases (rs771135040, ExAC 0.01%). This variant has not been reported in the literature in individuals with CCDC114-related conditions. Nucleotide substitutions within the consensus splice site are a relatively common cause of aberrant splicing (PMID: 17576681, 9536098). Algorithms developed to predict the effect of sequence changes on RNA splicing suggest that this variant is not likely to affect RNA splicing, but this prediction has not been confirmed by published transcriptional studies. In summary, the available evidence is currently insufficient to determine the role of this variant in disease. Therefore, it has been classified as a Variant of Uncertain Significance.

Literature cited by the submitters: PubMed 17576681; PubMed 9536098.

NM_001364171.2(ODAD1):c.1240+6C>T

Gene: ODAD1 (outer dynein arm docking complex subunit 1; minus strand). Cytogenetic location: 19q13.33.
Variant type: single nucleotide variant.
Coding change: c.1240+6C>T on transcript NM_001364171.2 (MANE Select); 6 bases into the intron after coding-DNA position 1240, C replaced by T.
Molecular consequence: intron variant.
Genome position (GRCh38, 1-based): chr19:48,302,688, G>A on the plus strand (C>T on the coding strand, the complement: ODAD1 is on the minus strand). VCF-style: chr19-48302688-G-A. GRCh37 (hg19) VCF-style: chr19-48805945-G-A.
Other names: c.1129+6C>T (NM_144577.4).
Identifiers: ClinVar variation 657142 (VCV000657142.9), dbSNP rs771135040, ClinGen allele CA9548775.
Genomic context (GRCh38, chr19:48,302,688, plus strand): 5'-GCGGGCTGATGGTGTCCTTCCAAGTGGAGAAGCCAGGCTCGGGAGGGGGCGCCCATGGGT[G>A]CTCACCAGCCTTGAGCTTCTCCAGCTGTCCCCGCACATCCTGGAAGCGGGCCTCAAGGCG-3'